The following is an entry in ClinVar:

NM_001330700.2(TOP2B):c.3178G>T (p.Gly1060Ter)

Gene: TOP2B (DNA topoisomerase II beta; minus strand). Cytogenetic location: 3p24.2.
Variant type: single nucleotide variant.
Coding change: c.3178G>T on transcript NM_001330700.2 (MANE Select); coding-DNA position 3178, G replaced by T.
Protein change: p.Gly1060Ter; replaces glycine 1060 with a stop codon.
Molecular consequence: nonsense.
Genome position (GRCh38, 1-based): chr3:25,618,735, C>A on the plus strand (G>T on the coding strand, the complement: TOP2B is on the minus strand). VCF-style: chr3-25618735-C-A. GRCh37 (hg19) VCF-style: chr3-25660226-C-A.
Other names: c.3163G>T, p.Gly1055Ter (NM_001068.3); short protein forms G1055*, G1060*.
Identifiers: ClinVar variation 4082708 (VCV004082708.1).
Genomic context (GRCh38, chr3:25,618,735, plus strand): 5'-TCTTCTCTAAAATGAAACGGGCTTGATTGTTAAGCTTTGTAGATTCTGCTCCCAACATTC[C>A]CACAAGCCACTCCTTACGTAAACCGTAATAACTTAATCGTAAATCAAAGAATTCTTTCAG-3'

ClinVar aggregate classification (germline): Uncertain significance (1 of 4 stars; one submission).

Submission:

GeneDx
Classification: Uncertain significance. Last evaluated: 2025-03-03. Review status: criteria provided, single submitter. Criteria: GeneDx Variant Classification Process June 2021. Collection method: clinical testing. Allele origin: germline. Affected: yes.
Comment: Not observed at significant frequency in large population cohorts (gnomAD); Nonsense variant predicted to result in protein truncation or nonsense mediated decay in a gene for which loss-of-function is not a known mechanism of disease; Has not been previously published as pathogenic or benign to our knowledge